The following is an entry in ClinVar:

ClinVar aggregate classification (germline): Benign. Review status: criteria provided, multiple submitters, no conflicts (2 of 4 stars). 2 submissions from 2 submitters: Benign (2). Last evaluated 2018-01-12.

Conditions:
Holocarboxylase synthetase deficiency. Also called: MULTIPLE CARBOXYLASE DEFICIENCY, EARLY ONSET. Identifiers: Orphanet 79242, MedGen C0268581, MONDO:0009666, OMIM 253270.

Allele frequency attached by ClinVar (database versions not stated): TOPMed 0.42565; 1000 Genomes Project 30x 0.44144; 1000 Genomes Project 0.44649; gnomAD exomes 0.45614.
gnomAD v4.1: 65,521 of 152,324 alleles (43%); highest among the groups gnomAD compares: South Asian, 60%; 14,310 homozygotes.

Submissions (2):

Illumina Laboratory Services, Illumina
Classification: Benign for Holocarboxylase synthetase deficiency. Last evaluated: 2018-01-12. Review status: criteria provided, single submitter. Criteria: ICSL Variant Classification Criteria 13 December 2019. Collection method: clinical testing. Allele origin: germline.
Comment: This variant was observed in the ICSL laboratory as part of a predisposition screen in an ostensibly healthy population. It had not been previously curated by ICSL or reported in the Human Gene Mutation Database (HGMD: prior to June 1st, 2018), and was therefore a candidate for classification through an automated scoring system. Utilizing variant allele frequency, disease prevalence and penetrance estimates, and inheritance mode, an automated score was calculated to assess if this variant is too frequent to cause the disease. Based on the score and internal cut-off values, a variant classified as benign is not then subjected to further curation. The score for this variant resulted in a classification of benign for this disease.

Breakthrough Genomics
Classification: Benign. Review status: criteria provided, single submitter. Criteria: ACMG Guidelines, 2015. Collection method: not provided. Allele origin: germline. Inheritance: Autosomal recessive inheritance. Affected: yes.

NM_001352514.2(HLCS):c.*2622G>A

Gene: HLCS (holocarboxylase synthetase; minus strand). Cytogenetic location: 21q22.13.
Variant type: single nucleotide variant.
Coding change: c.*2622G>A on transcript NM_001352514.2 (MANE Select); 2622 bases downstream of the stop codon, G replaced by A.
Molecular consequence: 3 prime UTR variant. On other transcripts: non-coding transcript variant (2).
Genome position (GRCh38, 1-based): chr21:36,751,624, C>T on the plus strand (G>A on the coding strand, the complement: HLCS is on the minus strand). VCF-style: chr21-36751624-C-T. GRCh37 (hg19) VCF-style: chr21-38123925-C-T.
Other names: c.*2622G>A (NM_000411.8, NM_001242784.3, NM_001242785.2 and 4 more transcripts).
Identifiers: ClinVar variation 339920 (VCV000339920.6), dbSNP rs14407, ClinGen allele CA10650460.